The following is an entry in ClinVar:

ClinVar aggregate classification (germline): Likely benign (1 of 4 stars; one submission).

Allele frequency attached by ClinVar (database versions not stated): ESP Exome Variant Server 0.00031; gnomAD exomes 0.00053.
gnomAD v4.1: 794 of 1,612,652 alleles (0.049%); highest among the groups gnomAD compares: Non-Finnish European, 0.065%; 2 homozygotes.

Submission:

Women's Health and Genetics/Laboratory Corporation of America, LabCorp
Classification: Likely benign. Last evaluated: 2024-04-03. Review status: criteria provided, single submitter. Criteria: LabCorp Variant Classification Summary - May 2015. Collection method: clinical testing. Allele origin: germline.
Comment: Variant summary: CFHR2 c.254-6C>G alters a non-conserved nucleotide located close to a canonical splice site and therefore could affect mRNA splicing, leading to a significantly altered protein sequence. Several computational tools predict a significant impact on normal splicing: Three predict the variant weakens a 3' acceptor site. One predict the variant no significant impact on splicing. However, these predictions have yet to be confirmed by functional studies. The variant allele was found at a frequency of 0.00015 in 250842 control chromosomes, predominantly at a frequency of 0.00031 within the Non-Finnish European subpopulation in the gnomAD database. The observed variant frequency within Non-Finnish European control individuals in the gnomAD database is approximately 2 fold of the estimated maximal expected allele frequency for a pathogenic variant in CFHR2 causing Genetic Atypical Hemolytic Uremic Syndrome phenotype (0.00016), strongly suggesting that the variant is a benign polymorphism found primarily in populations of Non-Finnish European origin. To our knowledge, no occurrence of c.254-6C>G in individuals affected with Genetic Atypical Hemolytic Uremic Syndrome and no experimental evidence demonstrating its impact on protein function have been reported. No submitters have cited clinical-significance assessments for this variant to ClinVar. Based on the evidence outlined above, the variant was classified as likely benign.

NM_005666.4(CFHR2):c.254-6C>G

Gene: CFHR2 (complement factor H related 2; plus strand). Cytogenetic location: 1q31.3.
Variant type: single nucleotide variant.
Coding change: c.254-6C>G on transcript NM_005666.4 (MANE Select); 6 bases into the intron before coding-DNA position 254, C replaced by G.
Molecular consequence: intron variant.
Genome position (GRCh38, 1-based): chr1:196,950,846, C>G. VCF-style: chr1-196950846-C-G. GRCh37 (hg19) VCF-style: chr1-196919976-C-G.
Other names: c.58+6908C>G (NM_001312672.1); c.59-6C>G (NM_001410924.1).
Identifiers: ClinVar variation 3251571 (VCV003251571.1), dbSNP rs370956552.